The following is an entry in ClinVar:

NM_000492.4(CFTR):c.1592_1593delinsG (p.Ile530_Ser531insTer)

Genes: CFTR (CF transmembrane conductance regulator; plus strand), LOC111674475 (CFTR intron 11 enhancer; plus strand). Cytogenetic location: 7q31.2.
Variant type: Indel.
Coding change: c.1592_1593delinsG on transcript NM_000492.4 (MANE Select); coding-DNA positions 1592 to 1593, CC replaced by G.
Protein change: p.Ile530_Ser531insTer.
Molecular consequence: nonsense.
Genome position (GRCh38, 1-based): chr7:117,587,746-117,587,747, CC replaced by G. VCF-style: chr7-117587746-CC-G. GRCh37 (hg19) VCF-style: chr7-117227800-CC-G.
Identifiers: ClinVar variation 1705992 (VCV001705992.1), dbSNP rs2485104048, ClinGen allele CA2580076301.

ClinVar aggregate classification (germline): Pathogenic (1 of 4 stars; one submission).

Conditions:
Cystic fibrosis (CF). Also called: MUCOVISCIDOSIS. Identifiers: Orphanet 586, MedGen C0010674, MONDO:0009061, OMIM 219700. Disease mechanism: loss of function.

Submission:

Institute of Human Genetics, University of Leipzig Medical Center
Classification: Pathogenic for Cystic fibrosis. Last evaluated: 2022-09-05. Review status: criteria provided, single submitter. Criteria: ACMG Guidelines, 2015. Collection method: curation. Allele origin: unknown. Affected: yes. Observed: 1 variant allele.
Comment: The variant was classified in the context of a project re-classifying variants in the German Cystic Fibrosis Registry (Muko.e.V.). Criteria applied: PVS1, PM2_SUP, PP4